The following is an entry in ClinVar:

ClinVar aggregate classification (germline): Uncertain significance (1 of 4 stars; one submission).

Conditions:
Neuropathy, hereditary sensory and autonomic, type 2A (HSAN2A). Also called: ACROOSTEOLYSIS, GIACCAI TYPE; ACROOSTEOLYSIS, NEUROGENIC; MORVAN DISEASE; NEUROPATHY, CONGENITAL SENSORY; NEUROPATHY, HEREDITARY SENSORY RADICULAR, AUTOSOMAL RECESSIVE; NEUROPATHY, HEREDITARY SENSORY, TYPE IIA. Identifiers: Orphanet 970, MedGen C2752089, MONDO:0024309, OMIM 201300.
Pseudohypoaldosteronism type 2C (PHA2C). Also called: Pseudohypoaldosteronism Type IIC. Identifiers: Orphanet 757, Orphanet 88940, MedGen C1840391, MONDO:0013778, OMIM 614492.

Submission:

Labcorp Genetics (formerly Invitae), Labcorp
Classification: Uncertain significance for Neuropathy, hereditary sensory and autonomic, type 2A; Pseudohypoaldosteronism type 2C. Last evaluated: 2022-07-11. Review status: criteria provided, single submitter. Criteria: Invitae Variant Classification Sherloc (09022015). Collection method: clinical testing. Allele origin: germline.
Comment: In summary, the available evidence is currently insufficient to determine the role of this variant in disease. Therefore, it has been classified as a Variant of Uncertain Significance. Advanced modeling of protein sequence and biophysical properties (such as structural, functional, and spatial information, amino acid conservation, physicochemical variation, residue mobility, and thermodynamic stability) performed at Invitae indicates that this missense variant is not expected to disrupt WNK1 protein function. This variant has not been reported in the literature in individuals affected with WNK1-related conditions. This variant is not present in population databases (gnomAD no frequency). This sequence change replaces lysine, which is basic and polar, with glutamic acid, which is acidic and polar, at codon 785 of the WNK1 protein (p.Lys785Glu).

NM_213655.5(WNK1):c.2353A>G (p.Lys785Glu)

Gene: WNK1 (WNK lysine deficient protein kinase 1; plus strand). Cytogenetic location: 12p13.33.
Variant type: single nucleotide variant.
Coding change: c.2353A>G on transcript NM_213655.5 (MANE Plus Clinical); coding-DNA position 2353, A replaced by G.
Protein change: p.Lys785Glu; replaces lysine 785 with glutamic acid.
Molecular consequence: missense variant. On other transcripts: intron variant (3).
Genome position (GRCh38, 1-based): chr12:865,323, A>G. VCF-style: chr12-865323-A-G. GRCh37 (hg19) VCF-style: chr12-974489-A-G.
Other names: c.2140-2543A>G (NM_001184985.2); c.2139+3053A>G (NM_018979.4, NM_014823.3); short protein forms K785E.
Identifiers: ClinVar variation 2015168 (VCV002015168.4), dbSNP rs2548727386, ClinGen allele CA383337867.